The following is an entry in ClinVar:

ClinVar aggregate classification (germline): Pathogenic/Likely pathogenic. Review status: criteria provided, multiple submitters, no conflicts (2 of 4 stars). 11 submissions from 11 submitters: Pathogenic (6); Likely pathogenic (3). 2 of the submissions do not count toward it. Last evaluated 2025-08-25.

Conditions:
COL4A3-related disorder. Also called: COL4A3-Related Disorders; COL4A3-related condition.
Alport syndrome. Also called: Hemorrhagic familial nephritis; Hemorrhagic hereditary nephritis; Congenital hereditary hematuria. Identifiers: Orphanet 63, MedGen C1567741, MONDO:0018965.
Autosomal recessive Alport syndrome (ATS2). Also called: COL4A3-Related Nephropathy; Alport syndrome type 2; ALPORT SYNDROME 2, AUTOSOMAL RECESSIVE; COL4A4 Alport Syndrome and Thin Basement Membrane Nephropathy. Identifiers: Orphanet 63, Orphanet 88919, MedGen C4746745, MONDO:0008762, OMIM 203780.
Autosomal dominant Alport syndrome (ATS3A). Also called: ALPORT SYNDROME 3A, AUTOSOMAL DOMINANT; Alport syndrome dominant type; Renal failure and sensorineural hearing loss. Identifiers: Orphanet 63, Orphanet 88918, MedGen C5882663, MONDO:0007086, OMIM 104200.
Benign familial hematuria. Also called: thin basement membrane disease. Identifiers: MedGen C0241908, MONDO:0957317.
Hematuria, benign familial, 2 (BFH2). Identifiers: MedGen C5830421, MONDO:0958186, OMIM 620320.
Alport syndrome 3b, autosomal recessive. Identifiers: MedGen C5882699, MONDO:0957811, OMIM 620536.

Allele frequency attached by ClinVar (database versions not stated): gnomAD exomes 0.00001; ExAC 0.00002.
gnomAD v4.1: 9 of 1,614,082 alleles (0.00056%); highest among the groups gnomAD compares: East Asian, 0.0022%; no homozygotes.

Submissions (11):

Natera, Inc.
Classification: Pathogenic for Alport syndrome. Last evaluated: 2025-08-25. Review status: criteria provided, single submitter. Criteria: Natera Variant Classification Schema (03/2026). Collection method: clinical testing. Allele origin: germline.
Comment: The c.1855G>A variant in COL4A3 is a missense variant predicted to cause substitution of glycine to arginine at amino acid 619. This variant is rare in the general population with a frequency below the threshold expected for the associated phenotype(s). This variant has been observed in one or more individuals affected with the associated recessive disease, as either homozygous or compound heterozygous with a second variant (PMID: 35369551, 34215756, 25596306). This variant has been observed in affected individual(s) with monoallelic occurrence (heterozygous/hemizygous) (PMID: 38790222, 28780565, 32939031). This variant is located in a functionally critical region of the protein. Computational prediction algorithms indicate this variant is likely to affect gene or protein function. Given the available evidence, this variant is classified as Pathogenic.

PreventionGenetics, part of Exact Sciences
Classification: Pathogenic for COL4A3-related condition. Last evaluated: 2025-01-03. Review status: criteria provided, single submitter. Criteria: ACMG Guidelines, 2015. Collection method: clinical testing. Allele origin: germline.
Comment: The COL4A3 c.1855G>A variant is predicted to result in the amino acid substitution p.Gly619Arg. This variant together with a nonsense COL4A3 variant has been reported to cause autosomal recessive Alport syndrome (Oka et al. 2014. PubMed ID: 24633401). This variant in the homozygous state has been reported in another patient with autosomal recessive Alport syndrome (Zhang et al. 2019. PubMed ID: 31306228). The p.Gly619 residue is located in the conserved triple helical domain, where substitutions of the glycine are usually pathogenic (UniProt residues 43-1438, Hudson et al. 1993. PubMed ID: 8253711). This variant is reported in 0.0018% of alleles in individuals of European (Non-Finnish) descent in gnomAD. This variant is interpreted as pathogenic.

Fulgent Genetics
Classification: Pathogenic for Autosomal dominant Alport syndrome; Hematuria, benign familial, 2; Alport syndrome 3b, autosomal recessive. Last evaluated: 2024-02-27. Review status: criteria provided, single submitter. Criteria: ACMG Guidelines, 2015. Collection method: clinical testing. Allele origin: germline.

Labcorp Genetics (formerly Invitae), Labcorp
Classification: Likely pathogenic. Last evaluated: 2024-02-14. Review status: criteria provided, single submitter. Criteria: Invitae Variant Classification Sherloc (09022015). Collection method: clinical testing. Allele origin: germline.
Comment: This sequence change replaces glycine, which is neutral and non-polar, with arginine, which is basic and polar, at codon 619 of the COL4A3 protein (p.Gly619Arg). This variant is present in population databases (rs773515249, gnomAD 0.002%). This missense change has been observed in individual(s) with autosomal recessive Alport syndrome (PMID: 24633401, 25596306, 34215756). In at least one individual the data is consistent with being in trans (on the opposite chromosome) from a pathogenic variant. ClinVar contains an entry for this variant (Variation ID: 522482). Advanced modeling of protein sequence and biophysical properties (such as structural, functional, and spatial information, amino acid conservation, physicochemical variation, residue mobility, and thermodynamic stability) performed at Invitae indicates that this missense variant is expected to disrupt COL4A3 protein function with a positive predictive value of 80%. Experimental studies are conflicting or provide insufficient evidence to determine the effect of this variant on COL4A3 function (PMID: 31306228). In summary, the currently available evidence indicates that the variant is pathogenic, but additional data are needed to prove that conclusively. Therefore, this variant has been classified as Likely Pathogenic.

Women's Health and Genetics/Laboratory Corporation of America, LabCorp
Classification: Pathogenic for Autosomal recessive Alport syndrome. Last evaluated: 2023-06-05. Review status: criteria provided, single submitter. Criteria: LabCorp Variant Classification Summary - May 2015. Collection method: clinical testing. Allele origin: germline.
Comment: Variant summary: COL4A3 c.1855G>A (p.Gly619Arg) results in a non-conservative amino acid change in the encoded protein sequence altering a Glycine residue within the triple-helical region. Alterations of Glycine residues within the collagen triple-helix are common mechanisms of disease. Five of five in-silico tools predict a damaging effect of the variant on protein function. The variant allele was found at a frequency of 8.1e-06 in 246972 control chromosomes. c.1855G>A has been reported in the literature as a biallelic homozygous or compound heterozygous genotype in individuals affected with features of autosomal recessive Alport Syndrome and as a heterozygous presumably dominant genotype in individuals affected with features of autosomal dominant Alport Syndrome (example, Horinouchi_2020, Garcia-Aznar_2022, Moriniere_2014, Oka_2014, Xie_2014, Kamiyoshi_2016, Jayasinghe_2021, Wang_2021). In at-least one instance, both carrier parents of an affected homozygote were reportedly asymptomatic (Xie_2014). These data indicate that the variant is very likely to be associated with disease although an exact inheritance pattern cannot be specified. At least one publication reports experimental evidence evaluating an impact on protein function, however, does not allow convincing conclusions about the variant effect (Zhang_2019). The following publications have been ascertained in the context of this evaluation (PMID: 36013122, 35369551, 32939031, 27281700, 24854265, 24633401, 34215756, 25596306, 31306228). Five clinical diagnostic laboratories have submitted clinical-significance assessments for this variant to ClinVar after 2014 and all laboratories classified the variant as pathogenic (n=1) and likely pathogenic (n=4). Based on the evidence outlined above, the variant was classified as pathogenic.

Blueprint Genetics
Classification: Pathogenic for COL4A3-related disorders. Last evaluated: 2023-03-17. Review status: criteria provided, single submitter. Criteria: ACMG Guidelines, 2015. Collection method: clinical testing. Allele origin: germline. Affected: yes. Observed: 2 variant alleles.

Victorian Clinical Genetics Services, Murdoch Childrens Research Institute
Classification: Likely pathogenic for Alport syndrome. Last evaluated: 2022-09-02. Review status: criteria provided, single submitter. Criteria: ACMG Guidelines, 2015. Collection method: clinical testing. Allele origin: germline.
Comment: Based on the classification scheme VCGS_Germline_v1.3.3, this variant is classified as likely pathogenic. Following criteria are met: 0103 - Dominant negative, caused by missense variants affecting glycine residues within the triple helical region, and loss of function are known mechanisms of disease in this gene and are associated with COL4A3-related Alport syndrome (PMID: 12028435) (I) 0108 - This gene is associated with both recessive and dominant disease (OMIM) (I) 0200 - Variant is predicted to result in a missense amino acid change from glycine to arginine. (I) 0251 - This variant is heterozygous. (I) 0302 - Variant is present in gnomAD (v2) <0.001 for a dominant condition (2 heterozygotes, 0 homozygotes). (SP) 0501 - Missense variant consistently predicted to be damaging by multiple in silico tools or highly conserved with a major amino acid change. (SP) 0601 - Variant is located in the well-established triple helical region. This variant likely results in a substitution of a glycine residue within the triple repeat (PDB). (SP) 0705 - No comparable missense variants have previous evidence for pathogenicity. (I) 0801 - This variant has strong previous evidence of pathogenicity in unrelated individuals. This variant has previously been reported in patients with both the dominant and recessive forms of Alport syndrome (PMID: 28780565; 27281700; 24854265; 25596306; 24633401) (SP) 1010 - Functional evidence for this variant is inconclusive. This variant was not found to be involved in podocyte injury resulting from ERS and ERS-induced apoptosis activation however missense variants were noted to exert a different pathological mechanism to premature termination codon variants and thus accurate characterization of this variant was inconclusive in the studies performed (PMID: 31306228) (I) 1208 - Inheritance information for this variant is not currently available in this individual. (I) Legend: (SP) - Supporting pathogenic, (I) - Information, (SB) - Supporting benign

Medical Genetics, University of Parma
Classification: Pathogenic for Autosomal dominant Alport syndrome; Hematuria, benign familial, 1. Last evaluated: 2020-03-11. Review status: criteria provided, single submitter. Criteria: ACMG Guidelines, 2015. Collection method: clinical testing. Allele origin: germline. Affected: yes.

Precision Medicine Center, Zhengzhou University
Classification: Likely pathogenic for Autosomal recessive Alport syndrome. Review status: criteria provided, single submitter. Criteria: ACMG Guidelines, 2015. Collection method: research. Allele origin: germline. Affected: yes.
Comment: PM1:Located in a mutational hot spot PM2:not found in gnomAD PP2:Missense variant in a gene that has a low rate of benign missense variation and in which missense variants are a common mechanism of disease PP3:Multiple lines of computational evidence support a deleterious effect on the gene or gene product

Gharavi Laboratory, Columbia University
Classification: Likely pathogenic. Last evaluated: 2018-09-16. Review status: no assertion criteria provided. Criteria: ACMG Guidelines, 2015. Collection method: research. Allele origin: germline. Affected: yes. Not counted in ClinVar's aggregate classification.

Bioscientia Institut fuer Medizinische Diagnostik GmbH, Sonic Healthcare
Classification: Likely pathogenic for Autosomal dominant Alport syndrome. Last evaluated: 2017-09-18. Review status: no assertion criteria provided. Collection method: clinical testing. Allele origin: germline. Affected: yes. Not counted in ClinVar's aggregate classification.

Literature cited by the submitters: PubMed 35369551 (cited by Natera, Inc. and Women's Health and Genetics/Laboratory Corporation of America, LabCorp); PubMed 34215756 (cited by 3 submitters); PubMed 25596306 (cited by 4 submitters); PubMed 38790222 (cited by Natera, Inc.); PubMed 28780565 (cited by Natera, Inc. and Victorian Clinical Genetics Services, Murdoch Childrens Research Institute); PubMed 32939031 (cited by Natera, Inc. and Women's Health and Genetics/Laboratory Corporation of America, LabCorp); PubMed 24633401 (cited by 3 submitters); PubMed 31306228 (cited by 3 submitters); PubMed 24854265 (cited by Women's Health and Genetics/Laboratory Corporation of America, LabCorp and Victorian Clinical Genetics Services, Murdoch Childrens Research Institute); PubMed 36013122 (cited by Women's Health and Genetics/Laboratory Corporation of America, LabCorp); PubMed 27281700 (cited by Women's Health and Genetics/Laboratory Corporation of America, LabCorp and Victorian Clinical Genetics Services, Murdoch Childrens Research Institute); PubMed 12028435 (cited by Victorian Clinical Genetics Services, Murdoch Childrens Research Institute).

NM_000091.5(COL4A3):c.1855G>A (p.Gly619Arg)

Genes: COL4A3 (collagen type IV alpha 3 chain; plus strand), MFF-DT (MFF divergent transcript; minus strand). Cytogenetic location: 2q36.3.
Variant type: single nucleotide variant.
Coding change: c.1855G>A on transcript NM_000091.5 (MANE Select); coding-DNA position 1855, G replaced by A.
Protein change: p.Gly619Arg; replaces glycine 619 with arginine.
Molecular consequence: missense variant.
Genome position (GRCh38, 1-based): chr2:227,273,045, G>A. VCF-style: chr2-227273045-G-A. GRCh37 (hg19) VCF-style: chr2-228137761-G-A.
Other names: short protein forms G619R.
Identifiers: ClinVar variation 522482 (VCV000522482.22), dbSNP rs773515249, ClinGen allele CA2146772.
Genomic context (GRCh38, chr2:227,273,045, plus strand): 5'-GGGGATCCTGGCTCCCCTGGGTCCCCAGGACCTGCAGGACCAGCTGGACCACCTGGCTAC[G>A]GACCCCAAGGAGAACCTGGTCTCCAGGGCACGCAAGGAGTTCCTGGAGCCCCCGGACCAC-3'
Protein context (NP_000082.2, residues 609-629): PAGPAGPPGY[Gly619Arg]PQGEPGLQGT